The following is an entry in ClinVar:

NM_003119.4(SPG7):c.1936+154G>T

Gene: SPG7 (SPG7 matrix AAA peptidase subunit, paraplegin; plus strand). Cytogenetic location: 16q24.3.
Variant type: single nucleotide variant.
Coding change: c.1936+154G>T on transcript NM_003119.4 (MANE Select); 154 bases into the intron after coding-DNA position 1936, G replaced by T.
Molecular consequence: intron variant.
Genome position (GRCh38, 1-based): chr16:89,553,289, G>T. VCF-style: chr16-89553289-G-T. GRCh37 (hg19) VCF-style: chr16-89619697-G-T.
Other names: c.1936+154G>T (NM_001363850.1).
Identifiers: ClinVar variation 677643 (VCV000677643.2), dbSNP rs8044175, ClinGen allele CA286567543.

ClinVar aggregate classification (germline): Benign. Review status: criteria provided, multiple submitters, no conflicts (2 of 4 stars). 2 submissions from 2 submitters: Benign (2). Last evaluated 2018-06-14.

Allele frequency attached by ClinVar (database versions not stated): gnomAD exomes 0.00558; gnomAD 0.03587 and 0.03831; 1000 Genomes Project 0.03674; 1000 Genomes Project 30x 0.03701; TOPMed 0.04107.
gnomAD v4.1: 9,572 of 859,084 alleles (1.1%); highest among the groups gnomAD compares: African/African-American, 12%; 434 homozygotes.

Submissions (2):

GeneDx
Classification: Benign. Last evaluated: 2018-06-14. Review status: criteria provided, single submitter. Criteria: GeneDx Variant Classification (06012015). Collection method: clinical testing. Allele origin: germline. Affected: yes.
Comment: This variant is considered likely benign or benign based on one or more of the following criteria: it is a conservative change, it occurs at a poorly conserved position in the protein, it is predicted to be benign by multiple in silico algorithms, and/or has population frequency not consistent with disease.

Breakthrough Genomics
Classification: Benign. Review status: criteria provided, single submitter. Criteria: ACMG Guidelines, 2015. Collection method: not provided. Allele origin: germline. Inheritance: Autosomal recessive inheritance. Affected: yes.